The following is an entry in ClinVar:

NM_002335.4(LRP5):c.2371A>C (p.Met791Leu)

Gene: LRP5 (LDL receptor related protein 5; plus strand). Cytogenetic location: 11q13.2.
Variant type: single nucleotide variant.
Coding change: c.2371A>C on transcript NM_002335.4 (MANE Select); coding-DNA position 2371, A replaced by C.
Protein change: p.Met791Leu; replaces methionine 791 with leucine.
Molecular consequence: missense variant.
Genome position (GRCh38, 1-based): chr11:68,411,488, A>C. VCF-style: chr11-68411488-A-C. GRCh37 (hg19) VCF-style: chr11-68178956-A-C.
Other names: c.628A>C, p.Met210Leu (NM_001291902.2); short protein forms M210L, M791L.
Identifiers: ClinVar variation 1514357 (VCV001514357.6), dbSNP rs1229615060, ClinGen allele CA381616981.

ClinVar aggregate classification (germline): Uncertain significance (1 of 4 stars; one submission).

Submission:

Labcorp Genetics (formerly Invitae), Labcorp
Classification: Uncertain significance. Last evaluated: 2024-11-11. Review status: criteria provided, single submitter. Criteria: Invitae Variant Classification Sherloc (09022015). Collection method: clinical testing. Allele origin: germline.
Comment: This sequence change replaces methionine, which is neutral and non-polar, with leucine, which is neutral and non-polar, at codon 791 of the LRP5 protein (p.Met791Leu). This variant is not present in population databases (gnomAD no frequency). This variant has not been reported in the literature in individuals affected with LRP5-related conditions. ClinVar contains an entry for this variant (Variation ID: 1514357). Invitae Evidence Modeling of protein sequence and biophysical properties (such as structural, functional, and spatial information, amino acid conservation, physicochemical variation, residue mobility, and thermodynamic stability) indicates that this missense variant is not expected to disrupt LRP5 protein function with a negative predictive value of 95%. In summary, the available evidence is currently insufficient to determine the role of this variant in disease. Therefore, it has been classified as a Variant of Uncertain Significance.